The following is an entry in ClinVar:

NC_000023.10:g.(?_123504006)_(123505241_?)del

Gene: SH2D1A (SH2 domain containing 1A; plus strand). Cytogenetic location: Xq25.
Variant type: Deletion.
Identifiers: ClinVar variation 3244981 (VCV003244981.1).

ClinVar aggregate classification (germline): Pathogenic (1 of 4 stars; one submission).

Conditions:
X-linked lymphoproliferative disease due to SH2D1A deficiency (XLP1). Also called: SH2D1A-Related Lymphoproliferative Disease, X-Linked; EBV infection severe susceptibility to; Epstein Barr virus infection familial fatal; Duncan's syndrome; DUNCAN DISEASE; IMMUNODEFICIENCY 5. Identifiers: Orphanet 2442, Orphanet 538931, MedGen C5399825, MONDO:0024551, OMIM 308240.

Submission:

Labcorp Genetics (formerly Invitae), Labcorp
Classification: Pathogenic for X-linked lymphoproliferative disease due to SH2D1A deficiency. Last evaluated: 2023-07-21. Review status: criteria provided, single submitter. Criteria: Invitae Variant Classification Sherloc (09022015). Collection method: clinical testing. Allele origin: unknown.
Comment: This variant is a gross deletion of the genomic region encompassing exon(s) 3-4 of the SH2D1A gene, which includes the termination codon. This deletion extends beyond the assayed region for this gene and therefore may encompass additional genes. While this deletion is not anticipated to lead to nonsense mediated decay, it is expected to alter mRNA translation or result in a truncated protein product. A similar copy number variant has been observed in individual(s) with EBV-associated lymphoproliferation (PMID: 12356686, 35367395). It has also been observed to segregate with disease in related individuals. For these reasons, this variant has been classified as Pathogenic.

Literature cited by the submitters: PubMed 12356686; PubMed 35367395.